The following is an entry in ClinVar:

ClinVar aggregate classification (germline): Uncertain significance (1 of 4 stars; one submission).

Conditions:
Glycogen storage disease, type II (IOPD). Also called: Glucosidase acid-1,4-alpha deficiency; POMPE DISEASE, INFANTILE-ONSET; GLYCOGEN STORAGE DISEASE II, INFANTILE-ONSET; ACID ALPHA-GLUCOSIDASE DEFICIENCY, INFANTILE-ONSET; GAA DEFICIENCY, INFANTILE-ONSET; ACID MALTASE DEFICIENCY, INFANTILE-ONSET. Identifiers: Orphanet 365, MedGen C0017921, MONDO:0009290, OMIM 232300.

gnomAD v4.1: 2 of 1,610,396 alleles (0.00012%); highest among the groups gnomAD compares: Non-Finnish European, 0.00017%; no homozygotes.

Submission:

Labcorp Genetics (formerly Invitae), Labcorp
Classification: Uncertain significance for Glycogen storage disease, type II. Last evaluated: 2021-11-26. Review status: criteria provided, single submitter. Criteria: Invitae Variant Classification Sherloc (09022015). Collection method: clinical testing. Allele origin: germline.
Comment: This sequence change affects codon 642 of the GAA mRNA. It is a 'silent' change, meaning that it does not change the encoded amino acid sequence of the GAA protein. This variant is not present in population databases (gnomAD no frequency). This variant has not been reported in the literature in individuals affected with GAA-related conditions. Algorithms developed to predict the effect of sequence changes on RNA splicing suggest that this variant may create or strengthen a splice site. In summary, the available evidence is currently insufficient to determine the role of this variant in disease. Therefore, it has been classified as a Variant of Uncertain Significance.

NM_000152.5(GAA):c.1926C>A (p.Val642=)

Gene: GAA (alpha glucosidase; plus strand). Cytogenetic location: 17q25.3.
Variant type: single nucleotide variant.
Coding change: c.1926C>A on transcript NM_000152.5 (MANE Select); coding-DNA position 1926, C replaced by A.
Protein change: p.Val642=; no amino-acid change (valine 642 retained).
Molecular consequence: synonymous variant.
Genome position (GRCh38, 1-based): chr17:80,112,913, C>A. VCF-style: chr17-80112913-C-A. GRCh37 (hg19) VCF-style: chr17-78086712-C-A.
Other names: c.1926C>A, p.Val642= (NM_001079803.3, NM_001079804.3).
Identifiers: ClinVar variation 1407857 (VCV001407857.3), dbSNP rs1346499760, ClinGen allele CA502402794.
Genomic context (GRCh38, chr17:80,112,913, plus strand): 5'-CCAGCCTGACTCTGCCCTCCCAGAAATCCTGCAGTTTAACCTGCTGGGGGTGCCTCTGGT[C>A]GGGGCCGACGTCTGCGGCTTCCTGGGCAACACCTCAGAGGAGCTGTGTGTGCGCTGGACC-3'
Protein context (NP_000143.2, residues 632-652): LQFNLLGVPL[Val642=]GADVCGFLGN